The following is an entry in ClinVar:

NM_033054.3(MYO1G):c.2032C>A (p.His678Asn)

Gene: MYO1G (myosin IG; minus strand). Cytogenetic location: 7p13.
Variant type: single nucleotide variant.
Coding change: c.2032C>A on transcript NM_033054.3 (MANE Select); coding-DNA position 2032, C replaced by A.
Protein change: p.His678Asn; replaces histidine 678 with asparagine.
Molecular consequence: missense variant.
Genome position (GRCh38, 1-based): chr7:44,966,198, G>T on the plus strand (C>A on the coding strand, the complement: MYO1G is on the minus strand). VCF-style: chr7-44966198-G-T. GRCh37 (hg19) VCF-style: chr7-45005797-G-T.
Other names: short protein forms H678N.
Identifiers: ClinVar variation 3388060 (VCV003388060.14).

ClinVar aggregate classification (germline): Likely benign (1 of 4 stars; one submission).

gnomAD v4.1: 7,757 of 1,612,496 alleles (0.48%); highest among the groups gnomAD compares: Non-Finnish European, 0.55%; 32 homozygotes.

Submission:

CeGaT Center for Human Genetics Tuebingen
Classification: Likely benign. Last evaluated: 2025-09-01. Review status: criteria provided, single submitter. Criteria: CeGaT Center For Human Genetics Tuebingen Variant Classification Criteria Version 2. Collection method: clinical testing. Allele origin: germline. Affected: yes. Observed: 2 variant alleles.
Comment: MYO1G: BS2